The following is an entry in ClinVar:

ClinVar aggregate classification (germline): Uncertain significance. Review status: criteria provided, multiple submitters, no conflicts (2 of 4 stars). 6 submissions from 6 submitters: Uncertain significance (6). Last evaluated 2024-05-20.

Conditions:
Progressive myoclonic epilepsy. Also called: Familial progressive myoclonic epilepsy; Myoclonus epilepsy; Progressive myoclonus epilepsy; Myoclonic Epilepsies, Progressive. Identifiers: Orphanet 308, Orphanet 98261, MedGen C0751778, MONDO:0020074.
Action myoclonus-renal failure syndrome. Also called: MYOCLONUS-NEPHROPATHY SYNDROME; SCARB2-Related Action Myoclonus-Renal Failure Syndrome; EPILEPSY, PROGRESSIVE MYOCLONIC, 4, WITH RENAL FAILURE; EPILEPSY, PROGRESSIVE MYOCLONIC, 4, WITHOUT RENAL FAILURE. Identifiers: Orphanet 163696, MedGen C0751779, MeSH D020191, MONDO:0009699, OMIM 254900.

Allele frequency attached by ClinVar (database versions not stated): gnomAD exomes 0.00004 and 0.00007; ExAC 0.00007; ESP Exome Variant Server 0.00015; gnomAD 0.00019 and 0.00020; TOPMed 0.00028; 1000 Genomes Project 30x 0.00062; 1000 Genomes Project 0.00080.
gnomAD v4.1: 97 of 1,613,640 alleles (0.006%); highest among the groups gnomAD compares: African/African-American, 0.11%; no homozygotes.

Submissions (6):

Fulgent Genetics
Classification: Uncertain significance for Action myoclonus-renal failure syndrome. Last evaluated: 2024-05-20. Review status: criteria provided, single submitter. Criteria: ACMG Guidelines, 2015. Collection method: clinical testing. Allele origin: germline.

Labcorp Genetics (formerly Invitae), Labcorp
Classification: Uncertain significance for Progressive myoclonic epilepsy. Last evaluated: 2022-08-31. Review status: criteria provided, single submitter. Criteria: Invitae Variant Classification Sherloc (09022015). Collection method: clinical testing. Allele origin: germline.
Comment: This sequence change replaces aspartic acid, which is acidic and polar, with tyrosine, which is neutral and polar, at codon 127 of the SCARB2 protein (p.Asp127Tyr). This variant is present in population databases (rs148022786, gnomAD 0.08%). This variant has not been reported in the literature in individuals affected with SCARB2-related conditions. ClinVar contains an entry for this variant (Variation ID: 449847). Algorithms developed to predict the effect of missense changes on protein structure and function are either unavailable or do not agree on the potential impact of this missense change (SIFT: "Deleterious"; PolyPhen-2: "Probably Damaging"; Align-GVGD: "Class C15"). In summary, the available evidence is currently insufficient to determine the role of this variant in disease. Therefore, it has been classified as a Variant of Uncertain Significance.

GeneDx
Classification: Uncertain significance. Last evaluated: 2020-11-23. Review status: criteria provided, single submitter. Criteria: GeneDx Variant Classification Process June 2021. Collection method: clinical testing. Allele origin: germline. Affected: yes.
Comment: In silico analysis supports that this missense variant has a deleterious effect on protein structure/function; Has not been previously published as pathogenic or benign to our knowledge

Mayo Clinic Laboratories, Mayo Clinic
Classification: Uncertain significance. Last evaluated: 2020-01-14. Review status: criteria provided, single submitter. Criteria: ACMG Guidelines, 2015. Collection method: clinical testing. Allele origin: germline. Observed: 1 variant allele.

Baylor Genetics
Classification: Uncertain significance for Action myoclonus-renal failure syndrome. Last evaluated: 2018-03-14. Review status: criteria provided, single submitter. Criteria: ACMG Guidelines, 2015. Collection method: clinical testing. Allele origin: paternal. Affected: yes.
Comment: This variant was determined to be of uncertain significance according to ACMG Guidelines, 2015 [PMID:25741868].

Eurofins Ntd Llc (ga)
Classification: Uncertain significance. Last evaluated: 2017-08-17. Review status: criteria provided, single submitter. Criteria: EGL Classification Definitions 2015. Collection method: clinical testing. Allele origin: germline. Observed: 1 variant allele, 1 heterozygote.

NM_005506.4(SCARB2):c.379G>T (p.Asp127Tyr)

Gene: SCARB2 (scavenger receptor class B member 2; minus strand). Cytogenetic location: 4q21.1.
Variant type: single nucleotide variant.
Coding change: c.379G>T on transcript NM_005506.4 (MANE Select); coding-DNA position 379, G replaced by T.
Protein change: p.Asp127Tyr; replaces aspartic acid 127 with tyrosine.
Molecular consequence: missense variant. On other transcripts: intron variant (1).
Genome position (GRCh38, 1-based): chr4:76,180,998, C>A on the plus strand (G>T on the coding strand, the complement: SCARB2 is on the minus strand). VCF-style: chr4-76180998-C-A. GRCh37 (hg19) VCF-style: chr4-77102151-C-A.
Other names: c.276-5088G>T (NM_001204255.2); short protein forms D127Y.
Identifiers: ClinVar variation 449847 (VCV000449847.18), dbSNP rs148022786, ClinGen allele CA2970347.